The following is an entry in ClinVar:

NM_000455.5(STK11):c.1182C>T (p.Gly394=)

Gene: STK11 (serine/threonine kinase 11; plus strand). Cytogenetic location: 19p13.3.
Variant type: single nucleotide variant.
Coding change: c.1182C>T on transcript NM_000455.5 (MANE Select); coding-DNA position 1182, C replaced by T.
Protein change: p.Gly394=; no amino-acid change (glycine 394 retained).
Molecular consequence: synonymous variant.
Genome position (GRCh38, 1-based): chr19:1,226,527, C>T. VCF-style: chr19-1226527-C-T. GRCh37 (hg19) VCF-style: chr19-1226526-C-T.
Identifiers: ClinVar variation 574481 (VCV000574481.20), dbSNP rs376679847, ClinGen allele CA045771.
Genomic context (GRCh38, chr19:1,226,527, plus strand): 5'-AGAGGAGGCCAGTCACAATGGACAGCGCCGGGGCCTCCCCAAGGCCGTGTGTATGAACGG[C>T]ACAGAGGCGGCGCAGCTGAGCACCAAATCCAGGGCGGAGGGCCGGGCCCCCAACCCTGCC-3'
Protein context (NP_000446.1, residues 384-404): RGLPKAVCMN[Gly394=]TEAAQLSTKS

ClinVar aggregate classification (germline): Conflicting classifications of pathogenicity. Review status: criteria provided, conflicting classifications (1 of 4 stars). 7 submissions from 7 submitters: Uncertain significance (3); Benign (1); Likely benign (3). Last evaluated 2025-08-20.

Conditions:
Hereditary cancer-predisposing syndrome. Also called: Neoplastic Syndromes, Hereditary; Hereditary Cancer Syndrome; Hereditary neoplastic syndrome; Tumor predisposition. Identifiers: Orphanet 140162, MedGen C0027672, MeSH D009386, MONDO:0015356.
Peutz-Jeghers syndrome (PJS). Also called: POLYPOSIS, HAMARTOMATOUS INTESTINAL; POLYPS-AND-SPOTS SYNDROME; Peutz-Jeghers polyposis; Periorificial lentiginosis syndrome. Identifiers: Orphanet 2869, MedGen C0031269, MeSH D010580, MONDO:0008280, OMIM 175200.

Allele frequency attached by ClinVar (database versions not stated): ExAC 0.00001; TOPMed 0.00002; 1000 Genomes Project 0.00020; 1000 Genomes Project 30x 0.00031; gnomAD exomes below 0.00001; gnomAD 0.00001.
gnomAD v4.1: 4 of 1,608,854 alleles (0.00025%); highest among the groups gnomAD compares: African/African-American, 0.004%; no homozygotes.

Submissions (7):

Labcorp Genetics (formerly Invitae), Labcorp
Classification: Likely benign for Peutz-Jeghers syndrome. Last evaluated: 2025-08-20. Review status: criteria provided, single submitter. Criteria: Invitae Variant Classification Sherloc (09022015). Collection method: clinical testing. Allele origin: germline.

Myriad Genetics, Inc.
Classification: Benign for Peutz-Jeghers syndrome. Last evaluated: 2025-03-28. Review status: criteria provided, single submitter. Criteria: Myriad Autosomal Dominant, Autosomal Recessive and X-Linked Classification Criteria (2023). Collection method: clinical testing. Allele origin: unknown.
Comment: This variant is considered benign. This variant is a silent/synonymous amino acid change and it is not expected to impact splicing.

Color Diagnostics, LLC DBA Color Health
Classification: Likely benign for Hereditary cancer-predisposing syndrome. Last evaluated: 2024-04-15. Review status: criteria provided, single submitter. Criteria: ACMG Guidelines, 2015. Collection method: clinical testing. Allele origin: germline.

All of Us Research Program, National Institutes of Health
Classification: Uncertain significance for Peutz-Jeghers syndrome. Last evaluated: 2023-11-20. Review status: criteria provided, single submitter. Criteria: ACMG Guidelines, 2015. Collection method: clinical testing. Allele origin: germline. Inheritance: Autosomal dominant inheritance. Observed: 1 variant allele, 1 heterozygote.
Comment: This variant is located in the STK11 protein. To our knowledge, functional studies have not been reported for this variant. This variant has not been reported in individuals affected with STK11-related disorders in the literature. This variant has been identified in 2/267996 chromosomes in the general population by the Genome Aggregation Database (gnomAD). The available evidence is insufficient to determine the role of this variant in disease conclusively. Therefore, this variant is classified as a Variant of Uncertain Significance.

This study involves interpretation of variants in research participants for the purpose of population health screening. Participant phenotype was not available at the time of variant classification. Additional details can be found in publication PMID: 35346344, PMCID: PMC8962531

GeneDx
Classification: Uncertain significance. Last evaluated: 2023-07-10. Review status: criteria provided, single submitter. Criteria: GeneDx Variant Classification Process June 2021. Collection method: clinical testing. Allele origin: germline.
Comment: Not observed at significant frequency in large population cohorts (gnomAD); In silico analysis supports that this variant does not alter splicing; Has not been previously published as pathogenic or benign to our knowledge

Genome-Nilou Lab
Classification: Uncertain significance for Peutz-Jeghers syndrome. Last evaluated: 2021-07-15. Review status: criteria provided, single submitter. Criteria: ACMG Guidelines, 2015. Collection method: clinical testing. Allele origin: germline. Affected: no.

Ambry Genetics
Classification: Likely benign for Hereditary cancer-predisposing syndrome. Last evaluated: 2019-01-02. Review status: criteria provided, single submitter. Criteria: Ambry Variant Classification Scheme 2023. Collection method: clinical testing. Allele origin: germline.